The following is an entry in ClinVar:

ClinVar aggregate classification (germline): Uncertain significance (1 of 4 stars; one submission).

Conditions:
Polyglucosan body myopathy type 1 (PGBM1). Also called: Polyglucosan body myopathy 1 with or without immunodeficiency; POLYGLUCOSAN BODY MYOPATHY WITHOUT IMMUNODEFICIENCY. Identifiers: Orphanet 329173, Orphanet 397937, MedGen C4014605, MONDO:0014389, OMIM 615895.

Allele frequency attached by ClinVar (database versions not stated): gnomAD exomes below 0.00001 and 0.00001; ExAC 0.00001; gnomAD 0.00001; TOPMed 0.00001.
gnomAD v4.1: 20 of 1,612,444 alleles (0.0012%); highest among the groups gnomAD compares: Non-Finnish European, 0.0015%; no homozygotes.

Submission:

Labcorp Genetics (formerly Invitae), Labcorp
Classification: Uncertain significance for Polyglucosan body myopathy type 1. Last evaluated: 2021-09-29. Review status: criteria provided, single submitter. Criteria: Invitae Variant Classification Sherloc (09022015). Collection method: clinical testing. Allele origin: germline.
Comment: This sequence change replaces arginine with tryptophan at codon 421 of the RBCK1 protein (p.Arg421Trp). The arginine residue is highly conserved and there is a moderate physicochemical difference between arginine and tryptophan. This variant is present in population databases (rs771360977, ExAC 0.002%). This variant has not been reported in the literature in individuals affected with RBCK1-related conditions. Algorithms developed to predict the effect of missense changes on protein structure and function are either unavailable or do not agree on the potential impact of this missense change (SIFT: "Not Available"; PolyPhen-2: "Probably Damaging"; Align-GVGD: "Not Available"). In summary, the available evidence is currently insufficient to determine the role of this variant in disease. Therefore, it has been classified as a Variant of Uncertain Significance.

NM_031229.4(RBCK1):c.1261C>T (p.Arg421Trp)

Gene: RBCK1 (RANBP2-type and C3HC4-type zinc finger containing 1; plus strand). Cytogenetic location: 20p13.
Variant type: single nucleotide variant.
Coding change: c.1261C>T on transcript NM_031229.4 (MANE Select); coding-DNA position 1261, C replaced by T.
Protein change: p.Arg421Trp; replaces arginine 421 with tryptophan.
Molecular consequence: missense variant. On other transcripts: non-coding transcript variant (1).
Genome position (GRCh38, 1-based): chr20:428,542, C>T. VCF-style: chr20-428542-C-T. GRCh37 (hg19) VCF-style: chr20-409186-C-T.
Other names: c.751C>T, p.Arg251Trp (NM_001323956.2, NM_001323958.2); c.1135C>T, p.Arg379Trp (NM_006462.6); short protein forms R421W, R251W, R379W.
Identifiers: ClinVar variation 1383235 (VCV001383235.3), dbSNP rs771360977, ClinGen allele CA9723320.